The following is an entry in ClinVar:

ClinVar aggregate classification (germline): Uncertain significance (1 of 4 stars; one submission).

Allele frequency attached by ClinVar (database versions not stated): TOPMed 0.00001.

Submission:

Labcorp Genetics (formerly Invitae), Labcorp
Classification: Uncertain significance. Last evaluated: 2021-08-24. Review status: criteria provided, single submitter. Criteria: Invitae Variant Classification Sherloc (09022015). Collection method: clinical testing. Allele origin: germline.
Comment: This sequence change replaces arginine with leucine at codon 98 of the HJV protein (p.Arg98Leu). The arginine residue is highly conserved and there is a moderate physicochemical difference between arginine and leucine. This variant is not present in population databases (ExAC no frequency). This variant has not been reported in the literature in individuals affected with HJV-related conditions. Algorithms developed to predict the effect of missense changes on protein structure and function are either unavailable or do not agree on the potential impact of this missense change (SIFT: "Deleterious"; PolyPhen-2: "Probably Damaging"; Align-GVGD: "Class C0"). In summary, the available evidence is currently insufficient to determine the role of this variant in disease. Therefore, it has been classified as a Variant of Uncertain Significance.

NM_213653.4(HJV):c.293G>T (p.Arg98Leu)

Gene: HJV (hemojuvelin BMP co-receptor; minus strand). Cytogenetic location: 1q21.1.
Variant type: single nucleotide variant.
Coding change: c.293G>T on transcript NM_213653.4 (MANE Select); coding-DNA position 293, G replaced by T.
Protein change: p.Arg98Leu; replaces arginine 98 with leucine.
Molecular consequence: missense variant. On other transcripts: 5 prime UTR variant (1), intron variant (3).
Genome position (GRCh38, 1-based): chr1:146,019,539, C>A on the plus strand (G>T on the coding strand, the complement: HJV is on the minus strand). VCF-style: chr1-146019539-C-A. GRCh37 (hg19) VCF-style: chr1-145415474-G-T.
Other names: c.293G>T, p.Arg98Leu (NM_001379352.1); c.-47G>T (NM_145277.5); c.-21-839G>T (NM_213652.4); c.-22+159G>T (NM_202004.4, NM_001316767.2); short protein forms R98L.
Identifiers: ClinVar variation 1388198 (VCV001388198.5), dbSNP rs782609295, ClinGen allele CA29825112.